The following is an entry in ClinVar:

NM_001110219.3(GJB6):c.371A>G (p.Gln124Arg)

Gene: GJB6 (gap junction protein beta 6; minus strand). Cytogenetic location: 13q12.11.
Variant type: single nucleotide variant.
Coding change: c.371A>G on transcript NM_001110219.3 (MANE Select); coding-DNA position 371, A replaced by G.
Protein change: p.Gln124Arg; replaces glutamine 124 with arginine.
Molecular consequence: missense variant.
Genome position (GRCh38, 1-based): chr13:20,223,110, T>C on the plus strand (A>G on the coding strand, the complement: GJB6 is on the minus strand). VCF-style: chr13-20223110-T-C. GRCh37 (hg19) VCF-style: chr13-20797249-T-C.
Other names: c.371A>G, p.Gln124Arg (NM_001110220.3, NM_001110221.3, NM_001370090.1 and 3 more transcripts); c.371A>G (NM_006783.4); short protein forms Q124R.
Identifiers: ClinVar variation 1391604 (VCV001391604.8), dbSNP rs760079142, ClinGen allele CA6904452.

ClinVar aggregate classification (germline): Uncertain significance. Review status: criteria provided, multiple submitters, no conflicts (2 of 4 stars). 3 submissions from 3 submitters: Uncertain significance (3). Last evaluated 2025-04-20.

Conditions:
Autosomal recessive nonsyndromic hearing loss 1B. Also called: DEAFNESS, AUTOSOMAL RECESSIVE 1B. Identifiers: Orphanet 90636, MedGen C2675235, MONDO:0012977, OMIM 612645.
Autosomal dominant nonsyndromic hearing loss 3B. Identifiers: Orphanet 90635, MedGen C2675237, MONDO:0012975, OMIM 612643.
Autosomal recessive nonsyndromic hearing loss 1A (DFNB1A). Also called: GJB2-Related Autosomal Recessive Nonsyndromic Hearing Loss; GJB6-Related DFNB 1 Nonsyndromic Hearing Loss and Deafness; Deafness, autosomal recessive 1A; Connexin 26 deafness; Deafness nonsyndromic, Connexin 26 linked; Nonsyndromic Hearing Loss and Deafness, DFNB1. Identifiers: Orphanet 90636, MedGen C2673759, MONDO:0009076, OMIM 220290.
Hidrotic ectodermal dysplasia syndrome (GJB6). Also called: Hidrotic ectodermal dysplasia; Ectodermal dysplasia 2, hidrotic; Autosomal dominant hidrotic ectodermal dysplasia; Clouston syndrome; Clouston's hidrotic ectodermal dysplasia; CLOUSTON HIDROTIC ECTODERMAL DYSPLASIA. Identifiers: Orphanet 189, MedGen C0162361, MONDO:0007510, OMIM 129500.
Inborn genetic diseases. Identifiers: MedGen C0950123, MeSH D030342.

Allele frequency attached by ClinVar (database versions not stated): gnomAD exomes 0.00001 and 0.00002; TOPMed below 0.00001; ExAC 0.00001.

Submissions (3):

Ambry Genetics
Classification: Uncertain significance for Inborn genetic diseases. Last evaluated: 2025-04-20. Review status: criteria provided, single submitter. Criteria: Ambry Variant Classification Scheme 2023. Collection method: clinical testing. Allele origin: germline.

GeneDx
Classification: Uncertain significance. Last evaluated: 2022-10-19. Review status: criteria provided, single submitter. Criteria: GeneDx Variant Classification Process June 2021. Collection method: clinical testing. Allele origin: germline. Affected: yes.
Comment: In silico analysis supports that this missense variant does not alter protein structure/function; Has not been previously published as pathogenic or benign to our knowledge

Labcorp Genetics (formerly Invitae), Labcorp
Classification: Uncertain significance for Autosomal dominant nonsyndromic hearing loss 3B; Hidrotic ectodermal dysplasia syndrome; Autosomal recessive nonsyndromic hearing loss 1B; Autosomal recessive nonsyndromic hearing loss 1A. Last evaluated: 2021-11-08. Review status: criteria provided, single submitter. Criteria: Invitae Variant Classification Sherloc (09022015). Collection method: clinical testing. Allele origin: germline.
Comment: In summary, the available evidence is currently insufficient to determine the role of this variant in disease. Therefore, it has been classified as a Variant of Uncertain Significance. Algorithms developed to predict the effect of missense changes on protein structure and function (SIFT, PolyPhen-2, Align-GVGD) all suggest that this variant is likely to be tolerated. This variant has not been reported in the literature in individuals affected with GJB6-related conditions. This variant is present in population databases (rs760079142, gnomAD 0.01%). This sequence change replaces glutamine, which is neutral and polar, with arginine, which is basic and polar, at codon 124 of the GJB6 protein (p.Gln124Arg).